The following is an entry in ClinVar:

NM_152515.5(CKAP2L):c.222C>T (p.Ile74=)

Gene: CKAP2L (cytoskeleton associated protein 2L; minus strand). Cytogenetic location: 2q14.1.
Variant type: single nucleotide variant.
Coding change: c.222C>T on transcript NM_152515.5 (MANE Select); coding-DNA position 222, C replaced by T.
Protein change: p.Ile74=; no amino-acid change (isoleucine 74 retained).
Molecular consequence: synonymous variant. On other transcripts: 5 prime UTR variant (1), non-coding transcript variant (1).
Genome position (GRCh38, 1-based): chr2:112,757,149, G>A on the plus strand (C>T on the coding strand, the complement: CKAP2L is on the minus strand). VCF-style: chr2-112757149-G-A. GRCh37 (hg19) VCF-style: chr2-113514726-G-A.
Other names: c.-274C>T (NM_001304361.2).
Identifiers: ClinVar variation 726716 (VCV000726716.32), dbSNP rs77207496, ClinGen allele CA1836882.
Genomic context (GRCh38, chr2:112,757,149, plus strand): 5'-CTCCAACTTCGGCTTCTGGGACCCTGCAGTATTAGGTGGTCTGGGCTGGAGTTTAATGCT[G>A]ATGGACCTTTTAGGTTTGACAGGCAAAACAACATGGTTGGTAACATCATTTTTGGGTCTA-3'
Protein context (NP_689728.3, residues 64-84): VVLPVKPKRS[Ile74=]SIKLQPRPPN

ClinVar aggregate classification (germline): Benign/Likely benign. Review status: criteria provided, multiple submitters, no conflicts (2 of 4 stars). 3 submissions from 3 submitters: Benign (1); Likely benign (2). Last evaluated 2026-07-01.

Allele frequency attached by ClinVar (database versions not stated): gnomAD exomes 0.00020 and 0.00063; ExAC 0.00085; 1000 Genomes Project 30x 0.00203; 1000 Genomes Project 0.00220; gnomAD 0.00225 and 0.00241; TOPMed 0.00252; ESP Exome Variant Server 0.00300.
gnomAD v4.1: 653 of 1,613,894 alleles (0.04%); highest among the groups gnomAD compares: African/African-American, 0.77%; 1 homozygote.

Submissions (3):

CeGaT Center for Human Genetics Tuebingen
Classification: Likely benign. Last evaluated: 2026-07-01. Review status: criteria provided, single submitter. Criteria: CeGaT Center For Human Genetics Tuebingen Variant Classification Criteria Version 2. Collection method: clinical testing. Allele origin: germline. Affected: yes. Observed: 3 variant alleles.
Comment: CKAP2L: BP4, BP7

Labcorp Genetics (formerly Invitae), Labcorp
Classification: Benign. Last evaluated: 2025-06-12. Review status: criteria provided, single submitter. Criteria: Invitae Variant Classification Sherloc (09022015). Collection method: clinical testing. Allele origin: germline.

Blueprint Genetics
Classification: Likely benign. Last evaluated: 2024-11-06. Review status: criteria provided, single submitter. Criteria: ACMG Guidelines, 2015. Collection method: clinical testing. Allele origin: germline.